The following is an entry in ClinVar:

ClinVar aggregate classification (germline): Pathogenic (1 of 4 stars; one submission).

Conditions:
T-B+ severe combined immunodeficiency due to JAK3 deficiency. Also called: SCID, autosomal recessive, T-negative/B-positive type; SCID, T CELL-NEGATIVE, B CELL-POSITIVE, NK CELL-NEGATIVE. Identifiers: Orphanet 35078, MedGen C1833275, MONDO:0010938, OMIM 600802.

Submission:

Labcorp Genetics (formerly Invitae), Labcorp
Classification: Pathogenic for T-B+ severe combined immunodeficiency due to JAK3 deficiency. Last evaluated: 2023-09-22. Review status: criteria provided, single submitter. Criteria: Invitae Variant Classification Sherloc (09022015). Collection method: clinical testing. Allele origin: germline.
Comment: For these reasons, this variant has been classified as Pathogenic. This variant has not been reported in the literature in individuals affected with JAK3-related conditions. This variant is not present in population databases (gnomAD no frequency). This sequence change creates a premature translational stop signal (p.Trp81Cysfs*69) in the JAK3 gene. It is expected to result in an absent or disrupted protein product. Loss-of-function variants in JAK3 are known to be pathogenic (PMID: 7481768, 11668621).

Literature cited by the submitters: PubMed 7481768; PubMed 11668621.

NM_000215.4(JAK3):c.235_242dup (p.Trp81fs)

Gene: JAK3 (Janus kinase 3; minus strand). Cytogenetic location: 19p13.11.
Variant type: Duplication.
Coding change: c.235_242dup on transcript NM_000215.4 (MANE Select); coding-DNA positions 235 to 242, 8 bases duplicated (TCCTGCTG; older notation c.235_242dupTCCTGCTG).
Protein change: p.Trp81fs; shifts the reading frame from tryptophan 81.
Molecular consequence: frameshift variant.
Genome position (GRCh38, 1-based): chr19:17,843,843-17,843,850, CAGCAGGA duplicated on the plus strand (TCCTGCTG on the coding strand, the reverse complement: JAK3 is on the minus strand); duplicating any 8 consecutive bases within chr19:17,843,843-17,843,853 gives the same sequence; the c. name uses the placement nearest the transcript's 3' end. VCF-style (leftmost placement, unchanged base first): chr19-17843842-C-CCAGCAGGA. GRCh37 (hg19) VCF-style: chr19-17954651-C-CCAGCAGGA.
Other names: short protein forms W81fs.
Identifiers: ClinVar variation 2762708 (VCV002762708.3), dbSNP rs2094245783, ClinGen allele CA2326057806.